The following is an entry in ClinVar:

ClinVar aggregate classification (germline): Likely pathogenic. Review status: criteria provided, multiple submitters, no conflicts (2 of 4 stars). 3 submissions from 2 submitters: Likely pathogenic (3). Last evaluated 2017-05-09.

Conditions:
Dilated cardiomyopathy 1G (CMD1G). Identifiers: Orphanet 154, MedGen C1858763, MONDO:0011400, OMIM 604145.
Autosomal recessive limb-girdle muscular dystrophy type 2J (LGMDR10). Also called: MUSCULAR DYSTROPHY, LIMB-GIRDLE, AUTOSOMAL RECESSIVE 10; Limb-girdle muscular dystrophy, type 2J. Identifiers: Orphanet 140922, MedGen C1837342, MONDO:0012127, OMIM 608807.

Submissions (3):

Stanford Center for Inherited Cardiovascular Disease, Stanford University
Classification: Likely pathogenic. Last evaluated: 2017-05-09. Review status: criteria provided, single submitter. Criteria: ACMG Guidelines, 2015. Collection method: provider interpretation. Allele origin: germline.

Labcorp Genetics (formerly Invitae), Labcorp
Classification: Likely pathogenic for Dilated cardiomyopathy 1G. Last evaluated: 2017-05-02. Review status: criteria provided, single submitter. Criteria: Invitae Variant Classification Sherloc (09022015). Collection method: clinical testing. Allele origin: germline.
Comment: This sequence change deletes 1 nucleotide from exon 314 of the TTN mRNA (c.66039delC), causing a frameshift at codon 22014. This creates a premature translational stop signal (p.Ser22014Alafs*8) and is expected to result in a disrupted protein product. This variant is found in the A-band of this gene. While this particular variant has not been reported in the literature, truncating variants in the A-band of TTN are significantly overrepresented in patients with dilated cardiomyopathy and are considered to be likely pathogenic for the disease (PMID: 25589632). For these reasons, this variant has been classified as Likely Pathogenic.

Labcorp Genetics (formerly Invitae), Labcorp
Classification: Likely pathogenic for Dilated cardiomyopathy 1G; Autosomal recessive limb-girdle muscular dystrophy type 2J. Last evaluated: 2017-05-01. Review status: criteria provided, single submitter. Criteria: Invitae Variant Classification Sherloc (09022015). Collection method: clinical testing. Allele origin: germline.
Comment: For these reasons, this variant has been classified as Likely Pathogenic. This variant is found in the A-band of this gene. While this particular variant has not been reported in the literature, truncating variants in the A-band of TTN are significantly overrepresented in patients with dilated cardiomyopathy and are considered to be likely pathogenic for the disease (PMID: 25589632). This sequence change deletes 1 nucleotide from exon 314 of the TTN mRNA (c.66039delC), causing a frameshift at codon 22014. This creates a premature translational stop signal (p.Ser22014Alafs*8) and is expected to result in a disrupted protein product.

Literature cited by the submitters: PubMed 25589632 (cited by Labcorp Genetics (formerly Invitae), Labcorp).

NM_001267550.2(TTN):c.66039del (p.Ser22014fs)

Genes: TTN (titin; minus strand), TTN-AS1 (TTN antisense RNA 1; plus strand). Cytogenetic location: 2q31.2.
Variant type: Deletion.
Coding change: c.66039del on transcript NM_001267550.2 (MANE Select); coding-DNA position 66039, one base deleted (C; older notation c.66039delC).
Protein change: p.Ser22014fs; shifts the reading frame from serine 22014.
Molecular consequence: frameshift variant.
Genome position (GRCh38, 1-based): chr2:178,582,417, G deleted on the plus strand (C on the coding strand, the reverse complement: TTN is on the minus strand); the first of 2 consecutive G bases (chr2:178,582,417-178,582,418); deleting either gives the same sequence. VCF-style (leftmost placement, unchanged base first): chr2-178582416-TG-T. GRCh37 (hg19) VCF-style: chr2-179447143-TG-T.
Other names: c.61116del, p.Ser20373fs (NM_001256850.1); c.38844del, p.Ser12949fs (NM_003319.4); c.58335del, p.Ser19446fs (NM_133378.4); c.39219del, p.Ser13074fs (NM_133432.3); c.39420del, p.Ser13141fs (NM_133437.4); c.66039delC (NM_001267550.2); short protein forms S20373fs, S22014fs, S12949fs, S13074fs, S13141fs, S19446fs.
Identifiers: ClinVar variation 466650 (VCV000466650.13), dbSNP rs1553628052, ClinGen allele CA658657148.